The following is an entry in ClinVar:

NM_014915.3(ANKRD26):c.3259C>G (p.Leu1087Val)

Gene: ANKRD26 (ankyrin repeat domain 26; minus strand). Cytogenetic location: 10p12.1.
Variant type: single nucleotide variant.
Coding change: c.3259C>G on transcript NM_014915.3 (MANE Select); coding-DNA position 3259, C replaced by G.
Protein change: p.Leu1087Val; replaces leucine 1087 with valine.
Molecular consequence: missense variant.
Genome position (GRCh38, 1-based): chr10:27,035,191, G>C on the plus strand (C>G on the coding strand, the complement: ANKRD26 is on the minus strand). VCF-style: chr10-27035191-G-C. GRCh37 (hg19) VCF-style: chr10-27324120-G-C.
Other names: c.3256C>G, p.Leu1086Val (NM_001256053.2); short protein forms L1087V, L1086V.
Identifiers: ClinVar variation 4579432 (VCV004579432.1).

ClinVar aggregate classification (germline): Uncertain significance (1 of 4 stars; one submission).

Conditions:
Inborn genetic diseases. Identifiers: MedGen C0950123, MeSH D030342.

gnomAD v4.1: 1 of 1,614,018 alleles (0.000062%); highest among the groups gnomAD compares: Non-Finnish European, 0.000085%; no homozygotes.

Submission:

Ambry Genetics
Classification: Uncertain significance for Inborn genetic diseases. Last evaluated: 2025-10-14. Review status: criteria provided, single submitter. Criteria: Ambry Variant Classification Scheme 2023. Collection method: clinical testing. Allele origin: germline.
Comment: The p.L1087V variant (also known as c.3259C>G), located in coding exon 24 of the ANKRD26 gene, results from a C to G substitution at nucleotide position 3259. The leucine at codon 1087 is replaced by valine, an amino acid with highly similar properties. This amino acid position is conserved. In addition, this alteration is predicted to be tolerated by in silico analysis. Based on the available evidence, the clinical significance of this variant remains unclear.